The following is an entry in ClinVar:

ClinVar aggregate classification (germline): Conflicting classifications of pathogenicity. Review status: criteria provided, conflicting classifications (1 of 4 stars). 6 submissions from 6 submitters: Uncertain significance (4); Likely benign (1). 1 of the submissions does not count toward it. Last evaluated 2026-01-19.

Conditions:
Inborn genetic diseases. Identifiers: MedGen C0950123, MeSH D030342.
Nemaline myopathy 2 (NEM2). Also called: Nemaline myopathy 2, autosomal recessive. Identifiers: MedGen C1850569, MONDO:0009725, OMIM 256030.

Allele frequency attached by ClinVar (database versions not stated): gnomAD exomes 0.00001; ExAC 0.00002; gnomAD 0.00017 and 0.00018; TOPMed 0.00039; 1000 Genomes Project 0.00040; 1000 Genomes Project 30x 0.00062.
gnomAD v4.1: 41 of 1,613,940 alleles (0.0025%); highest among the groups gnomAD compares: Admixed American, 0.047%; no homozygotes.

Submissions (6):

Labcorp Genetics (formerly Invitae), Labcorp
Classification: Likely benign for Nemaline myopathy 2. Last evaluated: 2026-01-19. Review status: criteria provided, single submitter. Criteria: Invitae Variant Classification Sherloc (09022015). Collection method: clinical testing. Allele origin: germline.

Ambry Genetics
Classification: Uncertain significance for Inborn genetic diseases. Last evaluated: 2025-08-23. Review status: criteria provided, single submitter. Criteria: Ambry Variant Classification Scheme 2023. Collection method: clinical testing. Allele origin: germline.

GeneDx
Classification: Uncertain significance. Last evaluated: 2025-02-14. Review status: criteria provided, single submitter. Criteria: GeneDx Variant Classification Process June 2021. Collection method: clinical testing. Allele origin: germline. Affected: yes.
Comment: Not observed at significant frequency in large population cohorts (gnomAD); In silico analysis supports that this missense variant has a deleterious effect on protein structure/function; Has not been previously published as pathogenic or benign to our knowledge

Revvity Omics, Revvity
Classification: Uncertain significance. Last evaluated: 2020-10-06. Review status: criteria provided, single submitter. Criteria: ACMG Guidelines, 2015. Collection method: clinical testing. Allele origin: germline.

Athena Diagnostics
Classification: Uncertain significance. Last evaluated: 2019-07-09. Review status: criteria provided, single submitter. Criteria: Athena Diagnostics Criteria. Collection method: clinical testing. Allele origin: germline.

Natera, Inc.
Classification: Uncertain significance for Nemaline myopathy type 2. Last evaluated: 2020-03-27. Review status: no assertion criteria provided. Collection method: clinical testing. Allele origin: germline. Not counted in ClinVar's aggregate classification.

NM_001164508.2(NEB):c.4046T>C (p.Leu1349Pro)

Gene: NEB (nebulin; minus strand). Cytogenetic location: 2q23.3.
Variant type: single nucleotide variant.
Coding change: c.4046T>C on transcript NM_001164508.2 (MANE Select); coding-DNA position 4046, T replaced by C.
Protein change: p.Leu1349Pro; replaces leucine 1349 with proline.
Molecular consequence: missense variant.
Genome position (GRCh38, 1-based): chr2:151,672,622, A>G on the plus strand (T>C on the coding strand, the complement: NEB is on the minus strand). VCF-style: chr2-151672622-A-G. GRCh37 (hg19) VCF-style: chr2-152529136-A-G.
Other names: c.4046T>C, p.Leu1349Pro (NM_001164507.2, NM_001271208.2, NM_004543.5); c.4046T>C (NM_004543.4); short protein forms L1349P.
Identifiers: ClinVar variation 639341 (VCV000639341.20), dbSNP rs183667452, ClinGen allele CA1910735.